The following is an entry in ClinVar:

NM_144997.7(FLCN):c.945G>C (p.Glu315Asp)

Gene: FLCN (folliculin; minus strand). Cytogenetic location: 17p11.2.
Variant type: single nucleotide variant.
Coding change: c.945G>C on transcript NM_144997.7 (MANE Select); coding-DNA position 945, G replaced by C.
Protein change: p.Glu315Asp; replaces glutamic acid 315 with aspartic acid.
Molecular consequence: missense variant.
Genome position (GRCh38, 1-based): chr17:17,219,136, C>G on the plus strand (G>C on the coding strand, the complement: FLCN is on the minus strand). VCF-style: chr17-17219136-C-G. GRCh37 (hg19) VCF-style: chr17-17122450-C-G.
Other names: c.999G>C, p.Glu333Asp (NM_001353229.2); c.945G>C, p.Glu315Asp (NM_001353230.2, NM_001353231.2); short protein forms E315D, E333D.
Identifiers: ClinVar variation 1767036 (VCV001767036.3), dbSNP rs2544195834, ClinGen allele CA398532950.

ClinVar aggregate classification (germline): Uncertain significance. Review status: criteria provided, multiple submitters, no conflicts (2 of 4 stars). 2 submissions from 2 submitters: Uncertain significance (2). Last evaluated 2024-04-29.

Conditions:
Colorectal cancer. Also called: Colorectal cancer, somatic; Malignant Colorectal Neoplasm. Identifiers: MedGen C0346629, MONDO:0005575, OMIM 114500.
Familial spontaneous pneumothorax (PSP). Identifiers: Orphanet 2903, MedGen C1868193, MONDO:0008259, OMIM 173600.
Nonpapillary renal cell carcinoma. Identifiers: Orphanet 422526, MedGen CN074294, MONDO:0007763, OMIM 144700.
Birt-Hogg-Dube syndrome 1 (BHD1). Also called: FIBROFOLLICULOMAS WITH TRICHODISCOMAS AND ACROCHORDONS. Identifiers: Orphanet 122, MedGen CN375946, MONDO:0800445, OMIM 135150.
Hereditary cancer-predisposing syndrome. Also called: Hereditary Cancer Syndrome; Hereditary neoplastic syndrome; Neoplastic Syndromes, Hereditary; Tumor predisposition. Identifiers: Orphanet 140162, MedGen C0027672, MeSH D009386, MONDO:0015356.

Submissions (2):

Fulgent Genetics
Classification: Uncertain significance for Colorectal cancer; Birt-Hogg-Dube syndrome 1; Nonpapillary renal cell carcinoma; Familial spontaneous pneumothorax. Last evaluated: 2024-04-29. Review status: criteria provided, single submitter. Criteria: ACMG Guidelines, 2015. Collection method: clinical testing. Allele origin: germline.

Ambry Genetics
Classification: Uncertain significance for Hereditary cancer-predisposing syndrome. Last evaluated: 2022-08-13. Review status: criteria provided, single submitter. Criteria: Ambry Variant Classification Scheme 2023. Collection method: clinical testing. Allele origin: germline.
Comment: The p.E315D variant (also known as c.945G>C), located in coding exon 6 of the FLCN gene, results from a G to C substitution at nucleotide position 945. The glutamic acid at codon 315 is replaced by aspartic acid, an amino acid with highly similar properties. This amino acid position is conserved. In addition, this alteration is predicted to be tolerated by in silico analysis. Since supporting evidence is limited at this time, the clinical significance of this alteration remains unclear.